The following is an entry in ClinVar:

ClinVar aggregate classification (germline): Uncertain significance. Review status: criteria provided, multiple submitters, no conflicts (2 of 4 stars). 4 submissions from 4 submitters: Uncertain significance (4). Last evaluated 2025-09-26.

Conditions:
Greenberg dysplasia (GRBGD). Also called: HEM SKELETAL DYSPLASIA; MOTH-EATEN SKELETAL DYSPLASIA; CHONDRODYSTROPHY, HYDROPIC AND PRENATALLY LETHAL TYPE. Identifiers: Orphanet 1426, MedGen C2931048, MONDO:0008974, OMIM 215140.
Inborn genetic diseases. Identifiers: MedGen C0950123, MeSH D030342.
Connective tissue disorder. Also called: Connective tissue disease. Identifiers: MedGen C0009782, MONDO:0003900.

Allele frequency attached by ClinVar (database versions not stated): TOPMed 0.00003; gnomAD 0.00008.

Submissions (4):

Ambry Genetics
Classification: Uncertain significance for Inborn genetic diseases. Last evaluated: 2025-09-26. Review status: criteria provided, single submitter. Criteria: Ambry Variant Classification Scheme 2023. Collection method: clinical testing. Allele origin: germline.

Labcorp Genetics (formerly Invitae), Labcorp
Classification: Uncertain significance. Last evaluated: 2025-08-17. Review status: criteria provided, single submitter. Criteria: Invitae Variant Classification Sherloc (09022015). Collection method: clinical testing. Allele origin: germline.
Comment: This sequence change replaces leucine, which is neutral and non-polar, with phenylalanine, which is neutral and non-polar, at codon 331 of the LBR protein (p.Leu331Phe). This variant is present in population databases (rs201609720, gnomAD 0.009%). This variant has not been reported in the literature in individuals affected with LBR-related conditions. ClinVar contains an entry for this variant (Variation ID: 1702452). Invitae Evidence Modeling of protein sequence and biophysical properties (such as structural, functional, and spatial information, amino acid conservation, physicochemical variation, residue mobility, and thermodynamic stability) indicates that this missense variant is not expected to disrupt LBR protein function with a negative predictive value of 80%. In summary, the available evidence is currently insufficient to determine the role of this variant in disease. Therefore, it has been classified as a Variant of Uncertain Significance.

MGZ Medical Genetics Center
Classification: Uncertain significance for Greenberg dysplasia. Last evaluated: 2022-01-07. Review status: criteria provided, single submitter. Criteria: ACMG Guidelines, 2015. Collection method: clinical testing. Allele origin: germline. Affected: yes. Observed: 1 variant allele.
Comment: ACMG criteria applied: PM2_SUP, PP3

Genome Diagnostics Laboratory, The Hospital for Sick Children
Classification: Uncertain significance for Connective tissue disorder. Last evaluated: 2019-09-01. Review status: criteria provided, single submitter. Criteria: ACMG Guidelines, 2015. Collection method: clinical testing. Allele origin: germline.

NM_002296.4(LBR):c.991C>T (p.Leu331Phe)

Gene: LBR (lamin B receptor; minus strand). Cytogenetic location: 1q42.12.
Variant type: single nucleotide variant.
Coding change: c.991C>T on transcript NM_002296.4 (MANE Select); coding-DNA position 991, C replaced by T.
Protein change: p.Leu331Phe; replaces leucine 331 with phenylalanine.
Molecular consequence: missense variant.
Genome position (GRCh38, 1-based): chr1:225,412,547, G>A on the plus strand (C>T on the coding strand, the complement: LBR is on the minus strand). VCF-style: chr1-225412547-G-A. GRCh37 (hg19) VCF-style: chr1-225600249-G-A.
Other names: c.991C>T, p.Leu331Phe (NM_194442.3); short protein forms L331F.
Identifiers: ClinVar variation 1702452 (VCV001702452.10), dbSNP rs201609720, ClinGen allele CA1417268.
Genomic context (GRCh38, chr1:225,412,547, plus strand): 5'-CTTTCAAAGAGCGCATGTAGAGATACACACTCAAGACCACACAAAAAACAGTGGCCGCAA[G>A]TGCAAACTGAAGAAAATGACTGTACACGTAATGAAACTCTACGCCCTGGAAGAGAGATGT-3'
Protein context (NP_002287.2, residues 321-341): YVYSHFLQFA[Leu331Phe]AATVFCVVLS